The following is an entry in ClinVar:

ClinVar aggregate classification (germline): Likely benign (1 of 4 stars; one submission).

Submission:

CeGaT Center for Human Genetics Tuebingen
Classification: Likely benign. Last evaluated: 2024-02-01. Review status: criteria provided, single submitter. Criteria: CeGaT Center For Human Genetics Tuebingen Variant Classification Criteria Version 2. Collection method: clinical testing. Allele origin: germline. Affected: yes. Observed: 1 variant allele.
Comment: NHS: BP4

NM_001291867.2(NHS):c.718+2_718+3dup

Gene: NHS (NHS actin remodeling regulator; plus strand). Cytogenetic location: Xp22.13.
Variant type: Duplication.
Coding change: c.718+2_718+3dup on transcript NM_001291867.2 (MANE Select); the canonical splice donor site of the intron after coding-DNA position 718 through 3 bases into the intron after coding-DNA position 718, 2 bases duplicated (TG; older notation c.718+2_718+3dupTG).
Molecular consequence: splice donor variant.
Genome position (GRCh38, 1-based): chrX:17,687,896-17,687,897, TG duplicated; duplicating any 2 consecutive bases within chrX:17,687,895-17,687,897 gives the same sequence; the c. name uses the placement nearest the transcript's 3' end. VCF-style (leftmost placement, unchanged base first): chrX-17687894-G-GGT. GRCh37 (hg19) VCF-style: chrX-17706014-G-GGT.
Other names: c.718+2_718+3dup (NM_198270.4); c.187+2_187+3dup (NM_001136024.4, NM_001291868.2).
Identifiers: ClinVar variation 3026415 (VCV003026415.22), dbSNP rs770771757, ClinGen allele CA326963011.